The following is an entry in ClinVar:

NM_004115.4(FGF14):c.481T>C (p.Leu161=)

Gene: FGF14 (fibroblast growth factor 14; minus strand). Cytogenetic location: 13q33.1.
Variant type: single nucleotide variant.
Coding change: c.481T>C on transcript NM_004115.4 (MANE Select); coding-DNA position 481, T replaced by C.
Protein change: p.Leu161=; no amino-acid change (leucine 161 retained).
Molecular consequence: synonymous variant.
Genome position (GRCh38, 1-based): chr13:101,726,738, A>G on the plus strand (T>C on the coding strand, the complement: FGF14 is on the minus strand). VCF-style: chr13-101726738-A-G. GRCh37 (hg19) VCF-style: chr13-102379088-A-G.
Other names: p.Leu161=; c.229T>C, p.Leu77= (NM_001321931.1, NM_001321934.1, NM_001321935.1 and 4 more transcripts); c.292T>C, p.Leu98= (NM_001321932.1, NM_001321936.1, NM_001321944.1); c.301T>C, p.Leu101= (NM_001321933.1, NM_001321938.2, NM_001321940.1); c.385T>C, p.Leu129= (NM_001321939.2); c.295T>C, p.Leu99= (NM_001321941.2); c.379T>C, p.Leu127= (NM_001321945.2, NM_001321948.2, NM_001379342.1); c.340T>C, p.Leu114= (NM_001321947.2); and 1 more.
Identifiers: ClinVar variation 310899 (VCV000310899.21), dbSNP rs77082831, ClinGen allele CA7037149.

ClinVar aggregate classification (germline): Benign/Likely benign. Review status: criteria provided, multiple submitters, no conflicts (2 of 4 stars). 7 submissions from 7 submitters: Benign (4); Likely benign (2). 1 of the submissions does not count toward it. Last evaluated 2026-01-28.

Conditions:
FGF14-related disorder. Also called: FGF14-related condition.
Spinocerebellar ataxia type 27 (SCA27). Identifiers: Orphanet 98764, MedGen C1836383, MONDO:0012247.

Allele frequency attached by ClinVar (database versions not stated): gnomAD exomes 0.00342; ExAC 0.00414; gnomAD 0.01236 and 0.01311; 1000 Genomes Project 0.01298; TOPMed 0.01403; 1000 Genomes Project 30x 0.01405; ESP Exome Variant Server 0.01515.
gnomAD v4.1: 4,073 of 1,613,190 alleles (0.25%); highest among the groups gnomAD compares: African/African-American, 4.5%; 88 homozygotes.

Submissions (7):

Labcorp Genetics (formerly Invitae), Labcorp
Classification: Benign. Last evaluated: 2026-01-28. Review status: criteria provided, single submitter. Criteria: Invitae Variant Classification Sherloc (09022015). Collection method: clinical testing. Allele origin: germline.

Athena Diagnostics
Classification: Benign. Last evaluated: 2024-01-11. Review status: criteria provided, single submitter. Criteria: Athena Diagnostics Criteria. Collection method: clinical testing. Allele origin: unknown.

GeneDx
Classification: Likely benign. Last evaluated: 2021-05-06. Review status: criteria provided, single submitter. Criteria: GeneDx Variant Classification Process June 2021. Collection method: clinical testing. Allele origin: germline. Affected: yes.

Mayo Clinic Laboratories, Mayo Clinic
Classification: Benign. Last evaluated: 2019-10-31. Review status: criteria provided, single submitter. Criteria: ACMG Guidelines, 2015. Collection method: clinical testing. Allele origin: germline. Observed: 14 variant alleles.

Illumina Laboratory Services, Illumina
Classification: Benign for Spinocerebellar ataxia 27A. Last evaluated: 2018-01-12. Review status: criteria provided, single submitter. Criteria: ICSL Variant Classification Criteria 13 December 2019. Collection method: clinical testing. Allele origin: germline.
Comment: This variant was observed in the ICSL laboratory as part of a predisposition screen in an ostensibly healthy population. It had not been previously curated by ICSL or reported in the Human Gene Mutation Database (HGMD: prior to June 1st, 2018), and was therefore a candidate for classification through an automated scoring system. Utilizing variant allele frequency, disease prevalence and penetrance estimates, and inheritance mode, an automated score was calculated to assess if this variant is too frequent to cause the disease. Based on the score and internal cut-off values, a variant classified as benign is not then subjected to further curation. The score for this variant resulted in a classification of benign for this disease.

Breakthrough Genomics
Classification: Likely benign. Review status: criteria provided, single submitter. Criteria: ACMG Guidelines, 2015. Collection method: not provided. Allele origin: germline. Inheritance: Autosomal dominant inheritance. Affected: yes.

PreventionGenetics, part of Exact Sciences
Classification: Benign for FGF14-related condition. Last evaluated: 2022-02-04. Review status: no assertion criteria provided. Collection method: clinical testing. Allele origin: germline. Not counted in ClinVar's aggregate classification.
Comment: This variant is classified as benign based on ACMG/AMP sequence variant interpretation guidelines (Richards et al. 2015 PMID: 25741868, with internal and published modifications).